The following is an entry in ClinVar:

ClinVar aggregate classification (germline): Uncertain significance (1 of 4 stars; one submission).

Conditions:
Cerebral cavernous malformation 3. Also called: Familial Cerebral Cavernous Malformation 3. Identifiers: Orphanet 221061, MedGen C1864040, MONDO:0011305, OMIM 603285.

gnomAD v4.1: 2 of 1,413,344 alleles (0.00014%); highest among the groups gnomAD compares: Middle Eastern, 0.018%; no homozygotes.

Submission:

Labcorp Genetics (formerly Invitae), Labcorp
Classification: Uncertain significance for Cerebral cavernous malformation 3. Last evaluated: 2023-02-24. Review status: criteria provided, single submitter. Criteria: Invitae Variant Classification Sherloc (09022015). Collection method: clinical testing. Allele origin: germline.
Comment: In summary, the available evidence is currently insufficient to determine the role of this variant in disease. Therefore, it has been classified as a Variant of Uncertain Significance. Variants that disrupt the consensus splice site are a relatively common cause of aberrant splicing (PMID: 17576681, 9536098). Algorithms developed to predict the effect of sequence changes on RNA splicing suggest that this variant is not likely to affect RNA splicing. This variant has not been reported in the literature in individuals affected with PDCD10-related conditions. This variant is not present in population databases (gnomAD no frequency). This sequence change falls in intron 4 of the PDCD10 gene. It does not directly change the encoded amino acid sequence of the PDCD10 protein. It affects a nucleotide within the consensus splice site.

Literature cited by the submitters: PubMed 17576681; PubMed 9536098.

NM_007217.4(PDCD10):c.268+5C>G

Gene: PDCD10 (programmed cell death 10; minus strand). Cytogenetic location: 3q26.1.
Variant type: single nucleotide variant.
Coding change: c.268+5C>G on transcript NM_007217.4 (MANE Select); 5 bases into the intron after coding-DNA position 268, C replaced by G.
Molecular consequence: intron variant.
Genome position (GRCh38, 1-based): chr3:167,697,004, G>C on the plus strand (C>G on the coding strand, the complement: PDCD10 is on the minus strand). VCF-style: chr3-167697004-G-C. GRCh37 (hg19) VCF-style: chr3-167414792-G-C.
Other names: c.268+5C>G (NM_145860.2, NM_145859.2).
Identifiers: ClinVar variation 2915714 (VCV002915714.3), dbSNP rs894107678, ClinGen allele CA1418664594.